The following is an entry in ClinVar:

ClinVar aggregate classification (germline): Uncertain significance. Review status: criteria provided, multiple submitters, no conflicts (2 of 4 stars). 3 submissions from 3 submitters: Uncertain significance (3). Last evaluated 2025-12-26.

Conditions:
Ehlers-Danlos syndrome, musculocontractural type 2 (EDSMC2). Identifiers: Orphanet 2953, MedGen C3809845, MONDO:0014236, OMIM 615539.

Allele frequency attached by ClinVar (database versions not stated): gnomAD exomes 0.00005 and 0.00013; ExAC 0.00015; 1000 Genomes Project 30x 0.00031; 1000 Genomes Project 0.00040; ESP Exome Variant Server 0.00046; gnomAD 0.00051 and 0.00052; TOPMed 0.00056.
gnomAD v4.1: 153 of 1,614,148 alleles (0.0095%); highest among the groups gnomAD compares: African/African-American, 0.16%; no homozygotes.

Submissions (3):

Women's Health and Genetics/Laboratory Corporation of America, LabCorp
Classification: Uncertain significance. Last evaluated: 2025-12-26. Review status: criteria provided, single submitter. Criteria: LabCorp Variant Classification Summary - May 2015. Collection method: clinical testing. Allele origin: germline.
Comment: Variant summary: DSE c.2687T>G (p.Leu896Arg) results in a non-conservative amino acid change in the encoded protein sequence. Algorithms developed to predict the effect of missense changes on protein structure and function are either unavailable or do not agree on the potential impact of this missense change. The variant allele was found at a frequency of 0.00013 in 251366 control chromosomes. This frequency is not significantly higher than estimated for disease-causing variants in DSE, allowing no conclusion about variant significance. To our knowledge, no occurrence of c.2687T>G in individuals affected with DSE-related conditions and no experimental evidence demonstrating its impact on protein function have been reported. ClinVar contains an entry for this variant (Variation ID: 1193415). Based on the evidence outlined above, the variant was classified as uncertain significance.

GeneDx
Classification: Uncertain significance. Last evaluated: 2025-10-23. Review status: criteria provided, single submitter. Criteria: GeneDx Variant Classification Process June 2021. Collection method: clinical testing. Allele origin: germline. Affected: yes.
Comment: In silico analysis suggests that this missense variant does not alter protein structure/function; Has not been previously published as pathogenic or benign to our knowledge

Labcorp Genetics (formerly Invitae), Labcorp
Classification: Uncertain significance for Ehlers-Danlos syndrome, musculocontractural type 2. Last evaluated: 2024-10-23. Review status: criteria provided, single submitter. Criteria: Invitae Variant Classification Sherloc (09022015). Collection method: clinical testing. Allele origin: germline.
Comment: This sequence change replaces leucine, which is neutral and non-polar, with arginine, which is basic and polar, at codon 896 of the DSE protein (p.Leu896Arg). This variant is present in population databases (rs149649831, gnomAD 0.2%). This variant has not been reported in the literature in individuals affected with DSE-related conditions. ClinVar contains an entry for this variant (Variation ID: 1193415). An algorithm developed to predict the effect of missense changes on protein structure and function (PolyPhen-2) suggests that this variant¬†is likely to be tolerated. In summary, the available evidence is currently insufficient to determine the role of this variant in disease. Therefore, it has been classified as a Variant of Uncertain Significance.

NM_013352.4(DSE):c.2687T>G (p.Leu896Arg)

Gene: DSE (dermatan sulfate epimerase; plus strand). Cytogenetic location: 6q22.1.
Variant type: single nucleotide variant.
Coding change: c.2687T>G on transcript NM_013352.4 (MANE Select); coding-DNA position 2687, T replaced by G.
Protein change: p.Leu896Arg; replaces leucine 896 with arginine.
Molecular consequence: missense variant. On other transcripts: 3 prime UTR variant (2), non-coding transcript variant (1).
Genome position (GRCh38, 1-based): chr6:116,437,155, T>G. VCF-style: chr6-116437155-T-G. GRCh37 (hg19) VCF-style: chr6-116758318-T-G.
Other names: c.2687T>G, p.Leu896Arg (NM_001080976.3, NM_001322937.2, NM_001322938.2); c.2744T>G, p.Leu915Arg (NM_001322939.2); c.2126T>G, p.Leu709Arg (NM_001322940.2, NM_001322941.2); c.*1552T>G (NM_001322943.2, NM_001322944.2); c.1688T>G, p.Leu563Arg (NM_001374520.1); c.1652T>G, p.Leu551Arg (NM_001374521.1); short protein forms L551R, L563R, L709R, L896R, L915R.
Identifiers: ClinVar variation 1193415 (VCV001193415.7), dbSNP rs149649831, ClinGen allele CA3969857.